The following is an entry in ClinVar:

NM_139027.6(ADAMTS13):c.3142G>A (p.Val1048Met)

Gene: ADAMTS13 (ADAM metallopeptidase with thrombospondin type 1 motif 13; plus strand). Cytogenetic location: 9q34.2.
Variant type: single nucleotide variant.
Coding change: c.3142G>A on transcript NM_139027.6 (MANE Select); coding-DNA position 3142, G replaced by A.
Protein change: p.Val1048Met; replaces valine 1048 with methionine.
Molecular consequence: missense variant. On other transcripts: non-coding transcript variant (1).
Genome position (GRCh38, 1-based): chr9:133,454,512, G>A. VCF-style: chr9-133454512-G-A. GRCh37 (hg19) VCF-style: chr9-136319634-G-A.
Other names: c.3142G>A, p.Val1048Met (NM_139025.5); c.3049G>A, p.Val1017Met (NM_139026.6); short protein forms V1017M, V1048M.
Identifiers: ClinVar variation 2634657 (VCV002634657.1), dbSNP rs782585313, ClinGen allele CA200943145.
Genomic context (GRCh38, chr9:133,454,512, plus strand): 5'-TGTGGCCTTGGCACTGCTAGACGCTCGGTGGCCTGTGTGCAGCTCGACCAAGGCCAGGAC[G>A]TGGAGGTGGACGAGGCGGCCTGTGCGGCGCTGGTGCGGCCCGAGGCCAGTGTCCCCTGTC-3'
Protein context (NP_620596.2, residues 1038-1058): ACVQLDQGQD[Val1048Met]EVDEAACAAL

ClinVar aggregate classification (germline): Uncertain significance (1 of 4 stars; one submission).

Conditions:
ADAMTS13-related disorder. Also called: ADAMTS13-related condition.

Allele frequency attached by ClinVar (database versions not stated): gnomAD 0.00002; TOPMed 0.00002; ExAC 0.00004.
gnomAD v4.1: 39 of 1,611,962 alleles (0.0024%); highest among the groups gnomAD compares: African/African-American, 0.0053%; no homozygotes.

Submission:

PreventionGenetics, part of Exact Sciences
Classification: Uncertain significance for ADAMTS13-related condition. Last evaluated: 2023-06-09. Review status: criteria provided, single submitter. Criteria: ACMG Guidelines, 2015. Collection method: clinical testing. Allele origin: germline.
Comment: The ADAMTS13 c.3142G>A variant is predicted to result in the amino acid substitution p.Val1048Met. To our knowledge, this variant has not been reported in the literature. This variant is reported in 0.0053% of alleles in individuals of European (Non-Finnish) descent in gnomAD. At this time, the clinical significance of this variant is uncertain due to the absence of conclusive functional and genetic evidence.